The following is an entry in ClinVar:

NM_021625.5(TRPV4):c.2559C>T (p.Cys853=)

Gene: TRPV4 (transient receptor potential cation channel subfamily V member 4; minus strand). Cytogenetic location: 12q24.11.
Variant type: single nucleotide variant.
Coding change: c.2559C>T on transcript NM_021625.5 (MANE Select); coding-DNA position 2559, C replaced by T.
Protein change: p.Cys853=; no amino-acid change (cysteine 853 retained).
Molecular consequence: synonymous variant.
Genome position (GRCh38, 1-based): chr12:109,783,678, G>A on the plus strand (C>T on the coding strand, the complement: TRPV4 is on the minus strand). VCF-style: chr12-109783678-G-A. GRCh37 (hg19) VCF-style: chr12-110221483-G-A.
Other names: c.2418C>T, p.Cys806= (NM_001177428.2); c.2457C>T, p.Cys819= (NM_001177431.2); c.2238C>T, p.Cys746= (NM_001177433.2); c.2379C>T, p.Cys793= (NM_147204.3).
Identifiers: ClinVar variation 388870 (VCV000388870.14), dbSNP rs139580010, ClinGen allele CA6779858.

ClinVar aggregate classification (germline): Conflicting classifications of pathogenicity. Review status: criteria provided, conflicting classifications (1 of 4 stars). 4 submissions from 4 submitters: Uncertain significance (1); Likely benign (3). Last evaluated 2025-11-16.

Conditions:
Inborn genetic diseases. Identifiers: MedGen C0950123, MeSH D030342.
Charcot-Marie-Tooth disease axonal type 2C (HMSN2C). Also called: CHARCOT-MARIE-TOOTH DISEASE, AXONAL, AUTOSOMAL DOMINANT, TYPE 2C; Charcot-Marie-Tooth Neuropathy Type 2C; Charcot-Marie-Tooth Disease Type 2, TRPV4-Related (CMT2C). Identifiers: Orphanet 99937, MedGen C1853710, MONDO:0011633, OMIM 606071.

Allele frequency attached by ClinVar (database versions not stated): ESP Exome Variant Server 0.00008; TOPMed 0.00014; 1000 Genomes Project 30x 0.00016; gnomAD 0.00019 and 0.00021; 1000 Genomes Project 0.00020.
gnomAD v4.1: 52 of 1,613,814 alleles (0.0032%); highest among the groups gnomAD compares: African/African-American, 0.057%; no homozygotes.

Submissions (4):

Labcorp Genetics (formerly Invitae), Labcorp
Classification: Likely benign for Charcot-Marie-Tooth disease axonal type 2C. Last evaluated: 2025-11-16. Review status: criteria provided, single submitter. Criteria: Invitae Variant Classification Sherloc (09022015). Collection method: clinical testing. Allele origin: germline.

Ambry Genetics
Classification: Likely benign for Inborn genetic diseases. Last evaluated: 2019-07-11. Review status: criteria provided, single submitter. Criteria: Ambry Variant Classification Scheme 2023. Collection method: clinical testing. Allele origin: germline.

Eurofins Ntd Llc (ga)
Classification: Uncertain significance. Last evaluated: 2016-09-30. Review status: criteria provided, single submitter. Criteria: EGL Classification Definitions 2015. Collection method: clinical testing. Allele origin: germline. Observed: 1 variant allele, 1 heterozygote.

GeneDx
Classification: Likely benign. Last evaluated: 2016-09-01. Review status: criteria provided, single submitter. Criteria: GeneDx Variant Classification (06012015). Collection method: clinical testing. Allele origin: germline. Affected: yes.
Comment: This variant is considered likely benign or benign based on one or more of the following criteria: it is a conservative change, it occurs at a poorly conserved position in the protein, it is predicted to be benign by multiple in silico algorithms, and/or has population frequency not consistent with disease.